The following is an entry in ClinVar:

ClinVar aggregate classification (germline): Uncertain significance (1 of 4 stars; one submission).

Conditions:
Hereditary breast ovarian cancer syndrome. Also called: Hereditary breast and/or ovarian cancer syndrome; Hereditary breast and ovarian cancer syndrome; Hereditary breast and ovarian cancer syndrome (HBOC); Breast and ovarian cancer; BRCA1- and BRCA2-Associated Hereditary Breast and Ovarian Cancer; Hereditary breast and ovarian cancer. Identifiers: Orphanet 145, MedGen C0677776, MeSH D061325, MONDO:0003582. Disease mechanism: loss of function.

Allele frequency attached by ClinVar (database versions not stated): gnomAD exomes below 0.00001.
gnomAD v4.1: 1 of 1,613,348 alleles (0.000062%); highest among the groups gnomAD compares: Non-Finnish European, 0.000085%; no homozygotes.

Submission:

Labcorp Genetics (formerly Invitae), Labcorp
Classification: Uncertain significance for Hereditary breast ovarian cancer syndrome. Last evaluated: 2020-03-19. Review status: criteria provided, single submitter. Criteria: Invitae Variant Classification Sherloc (09022015). Collection method: clinical testing. Allele origin: germline.
Comment: This sequence change replaces tryptophan with cysteine at codon 2970 of the BRCA2 protein (p.Trp2970Cys). The tryptophan residue is highly conserved and there is a large physicochemical difference between tryptophan and cysteine. This variant is not present in population databases (ExAC no frequency). This variant has not been reported in the literature in individuals with BRCA2-related conditions. Algorithms developed to predict the effect of missense changes on protein structure and function (SIFT, PolyPhen-2, Align-GVGD) all suggest that this variant is likely to be disruptive, but these predictions have not been confirmed by published functional studies and their clinical significance is uncertain. Algorithms developed to predict the effect of sequence changes on RNA splicing suggest that this variant may create or strengthen a splice site, but this prediction has not been confirmed by published transcriptional studies. In summary, the available evidence is currently insufficient to determine the role of this variant in disease. Therefore, it has been classified as a Variant of Uncertain Significance.

NM_000059.4(BRCA2):c.8910G>T (p.Trp2970Cys)

Gene: BRCA2 (BRCA2 DNA repair associated; plus strand). Cytogenetic location: 13q13.1.
Variant type: single nucleotide variant.
Coding change: c.8910G>T on transcript NM_000059.4 (MANE Select); coding-DNA position 8910, G replaced by T.
Protein change: p.Trp2970Cys; replaces tryptophan 2970 with cysteine.
Molecular consequence: missense variant.
Genome position (GRCh38, 1-based): chr13:32,379,472, G>T. VCF-style: chr13-32379472-G-T. GRCh37 (hg19) VCF-style: chr13-32953609-G-T.
Other names: short protein forms W2970C.
Identifiers: ClinVar variation 1003817 (VCV001003817.9), dbSNP rs886040799, ClinGen allele CA387757257.
Genomic context (GRCh38, chr13:32,379,472, plus strand): 5'-GGCCATGGAATCTGCTGAACAAAAGGAACAAGGTTTATCAAGGGATGTCACAACCGTGTG[G>T]AAGTTGCGTATTGTAAGCTATTCAAAAAAAGAAAAAGATTCAGGTAAGTATGTAAATGCT-3'
Protein context (NP_000050.3, residues 2960-2980): QGLSRDVTTV[Trp2970Cys]KLRIVSYSKK